The following is an entry in ClinVar:

NM_004991.4(MECOM):c.889C>T (p.Pro297Ser)

Gene: MECOM (MDS1 and EVI1 complex locus; minus strand). Cytogenetic location: 3q26.2.
Variant type: single nucleotide variant.
Coding change: c.889C>T on transcript NM_004991.4 (MANE Select); coding-DNA position 889, C replaced by T.
Protein change: p.Pro297Ser; replaces proline 297 with serine.
Molecular consequence: missense variant.
Genome position (GRCh38, 1-based): chr3:169,122,669, G>A on the plus strand (C>T on the coding strand, the complement: MECOM is on the minus strand). VCF-style: chr3-169122669-G-A. GRCh37 (hg19) VCF-style: chr3-168840457-G-A.
Other names: c.517C>T, p.Pro173Ser (NM_001105077.4); c.325C>T, p.Pro109Ser (NM_001105078.4, NM_001163999.2, NM_001164000.2 and 9 more transcripts); c.889C>T, p.Pro297Ser (NM_001366466.2, NM_001366473.2); short protein forms P173S, P109S, P297S.
Identifiers: ClinVar variation 4053230 (VCV004053230.1).

ClinVar aggregate classification (germline): Uncertain significance (1 of 4 stars; one submission).

Conditions:
Inborn genetic diseases. Identifiers: MedGen C0950123, MeSH D030342.

Submission:

Ambry Genetics
Classification: Uncertain significance for Inborn genetic diseases. Last evaluated: 2025-05-02. Review status: criteria provided, single submitter. Criteria: Ambry Variant Classification Scheme 2023. Collection method: clinical testing. Allele origin: germline.
Comment: The p.P297S variant (also known as c.889C>T), located in coding exon 6 of the MECOM gene, results from a C to T substitution at nucleotide position 889. The proline at codon 297 is replaced by serine, an amino acid with similar properties. This amino acid position is conserved. In addition, this alteration is predicted to be tolerated by in silico analysis. Based on the available evidence, the clinical significance of this variant remains unclear.